The following is an entry in ClinVar:

NM_006019.4(TCIRG1):c.571C>T (p.Arg191Cys)

Gene: TCIRG1 (T cell immune regulator 1, ATPase H+ transporting V0 subunit a3; plus strand). Cytogenetic location: 11q13.2.
Variant type: single nucleotide variant.
Coding change: c.571C>T on transcript NM_006019.4 (MANE Select); coding-DNA position 571, C replaced by T.
Protein change: p.Arg191Cys; replaces arginine 191 with cysteine.
Molecular consequence: missense variant. On other transcripts: 5 prime UTR variant (2).
Genome position (GRCh38, 1-based): chr11:68,043,438, C>T. VCF-style: chr11-68043438-C-T. GRCh37 (hg19) VCF-style: chr11-67810905-C-T.
Other names: c.-340C>T (NM_001351059.2); c.-78C>T (NM_006053.4); short protein forms R191C.
Identifiers: ClinVar variation 305787 (VCV000305787.32), dbSNP rs867224433, ClinGen allele CA10631409.
Genomic context (GRCh38, chr11:68,043,438, plus strand): 5'-GCAGGTGCCGTGGAGCCCCACAAGGCCCCTGCCCTAGAGCGCCTGCTCTGGAGGGCCTGC[C>T]GCGGCTTCCTCATTGCCAGCTTCAGGGAGCTGGAGCAGCCGCTGGAGCACCCCGTGACGG-3'
Protein context (NP_006010.2, residues 181-201): ALERLLWRAC[Arg191Cys]GFLIASFREL

ClinVar aggregate classification (germline): Uncertain significance. Review status: criteria provided, multiple submitters, no conflicts (2 of 4 stars). 4 submissions from 4 submitters: Uncertain significance (4). Last evaluated 2025-12-23.

Conditions:
Inborn genetic diseases. Identifiers: MedGen C0950123, MeSH D030342.
Autosomal recessive osteopetrosis 1. Also called: TCIRG1-Related Osteopetrosis; ALBERS-SCHONBERG DISEASE, AUTOSOMAL RECESSIVE; TCIRG1-Related Autosomal Recessive Osteopetrosis. Identifiers: Orphanet 667, MedGen C1850127, MONDO:0009815, OMIM 259700.

Allele frequency attached by ClinVar (database versions not stated): gnomAD exomes 0.00001.
gnomAD v4.1: 10 of 1,548,200 alleles (0.00065%); highest among the groups gnomAD compares: Middle Eastern, 0.019%; no homozygotes.

Submissions (4):

Labcorp Genetics (formerly Invitae), Labcorp
Classification: Uncertain significance. Last evaluated: 2025-12-23. Review status: criteria provided, single submitter. Criteria: Invitae Variant Classification Sherloc (09022015). Collection method: clinical testing. Allele origin: germline.
Comment: This sequence change replaces arginine, which is basic and polar, with cysteine, which is neutral and slightly polar, at codon 191 of the TCIRG1 protein (p.Arg191Cys). This variant is present in population databases (no rsID available, gnomAD 0.002%). This variant has not been reported in the literature in individuals affected with TCIRG1-related conditions. ClinVar contains an entry for this variant (Variation ID: 305787). Invitae Evidence Modeling of protein sequence and biophysical properties (such as structural, functional, and spatial information, amino acid conservation, physicochemical variation, residue mobility, and thermodynamic stability) indicates that this missense variant is not expected to disrupt TCIRG1 protein function with a negative predictive value of 80%. In summary, the available evidence is currently insufficient to determine the role of this variant in disease. Therefore, it has been classified as a Variant of Uncertain Significance.

CeGaT Center for Human Genetics Tuebingen
Classification: Uncertain significance. Last evaluated: 2022-07-01. Review status: criteria provided, single submitter. Criteria: CeGaT Center For Human Genetics Tuebingen Variant Classification Criteria Version 2. Collection method: clinical testing. Allele origin: germline. Affected: yes. Observed: 1 variant allele.
Comment: TCIRG1: PP3

Ambry Genetics
Classification: Uncertain significance for Inborn genetic diseases. Last evaluated: 2022-06-09. Review status: criteria provided, single submitter. Criteria: Ambry Variant Classification Scheme 2023. Collection method: clinical testing. Allele origin: germline.

Illumina Laboratory Services, Illumina
Classification: Uncertain significance for Autosomal recessive osteopetrosis 1. Last evaluated: 2018-01-13. Review status: criteria provided, single submitter. Criteria: ICSL Variant Classification Criteria 13 December 2019. Collection method: clinical testing. Allele origin: germline.